The following is an entry in ClinVar:

ClinVar aggregate classification (germline): Pathogenic/Likely pathogenic. Review status: criteria provided, multiple submitters, no conflicts (2 of 4 stars). 2 submissions from 2 submitters: Pathogenic (1); Likely pathogenic (1). Last evaluated 2024-04-09.

Conditions:
Niemann-Pick disease, type C1. Also called: NIEMANN-PICK DISEASE, VARIANT TYPE C1; NEUROVISCERAL STORAGE DISEASE WITH VERTICAL SUPRANUCLEAR OPHTHALMOPLEGIA; NIEMANN-PICK DISEASE WITH CHOLESTEROL ESTERIFICATION BLOCK; NIEMANN-PICK DISEASE WITHOUT SPHINGOMYELINASE DEFICIENCY; NIEMANN-PICK DISEASE, CHRONIC NEURONOPATHIC FORM. Identifiers: Orphanet 646, MedGen C3179455, MONDO:0009757, OMIM 257220.

Allele frequency attached by ClinVar (database versions not stated): gnomAD exomes below 0.00001.

Submissions (2):

Natera, Inc.
Classification: Likely pathogenic for Niemann-Pick disease type C1. Last evaluated: 2024-04-09. Review status: criteria provided, single submitter. Criteria: Natera Variant Classification Schema (03/2026). Collection method: clinical testing. Allele origin: germline.
Comment: The c.3379_3380delAT variant in NPC1 is a frameshift variant predicted to shift the reading frame beginning at codon 1127 and leads to a stop codon 130 codons downstream. This variant is expected to result in nonsense mediated decay, truncation, or a dysfunctional protein product. This variant is rare in the general population with a frequency below the threshold expected for the associated phenotype(s). Given the available evidence, this variant is classified as Likely Pathogenic.

Labcorp Genetics (formerly Invitae), Labcorp
Classification: Pathogenic for Niemann-Pick disease, type C1. Last evaluated: 2020-10-04. Review status: criteria provided, single submitter. Criteria: Invitae Variant Classification Sherloc (09022015). Collection method: clinical testing. Allele origin: germline.
Comment: This sequence change results in a premature translational stop signal in the NPC1 gene (p.Met1127Valfs*130). While this is not anticipated to result in nonsense mediated decay, it is expected to disrupt the last 152 amino acids of the NPC1 protein. This variant is not present in population databases (ExAC no frequency). This variant has not been reported in the literature in individuals with NPC1-related conditions. ClinVar contains an entry for this variant (Variation ID: 858308). This variant disrupts the C-terminus of the NPC1 protein. Other variant(s) that disrupt this region (p.Arg1173Lysfs*85, p.Phe1199Leufs*43) have been determined to be pathogenic (PMID: 10521290, 11479732, 12401890, 25425405, Invitae). This suggests that variants that disrupt this region of the protein are likely to be causative of disease. For these reasons, this variant has been classified as Pathogenic.

Literature cited by the submitters: PubMed 10521290 (cited by Labcorp Genetics (formerly Invitae), Labcorp); PubMed 11479732 (cited by Labcorp Genetics (formerly Invitae), Labcorp); PubMed 12401890 (cited by Labcorp Genetics (formerly Invitae), Labcorp); PubMed 25425405 (cited by Labcorp Genetics (formerly Invitae), Labcorp).

NM_000271.5(NPC1):c.3379_3380del (p.Met1127fs)

Gene: NPC1 (NPC intracellular cholesterol transporter 1; minus strand). Cytogenetic location: 18q11.2.
Variant type: Deletion.
Coding change: c.3379_3380del on transcript NM_000271.5 (MANE Select); coding-DNA positions 3379 to 3380, 2 bases deleted (AT; older notation c.3379_3380delAT).
Protein change: p.Met1127fs; shifts the reading frame from methionine 1127.
Molecular consequence: frameshift variant.
Genome position (GRCh38, 1-based): chr18:23,535,566-23,535,567, AT deleted on the plus strand (AT on the coding strand, the reverse complement: NPC1 is on the minus strand). VCF-style (leftmost placement, unchanged base first): chr18-23535565-CAT-C. GRCh37 (hg19) VCF-style: chr18-21115529-CAT-C.
Other names: c.3379_3380delAT (NM_000271.4); short protein forms M1127fs.
Identifiers: ClinVar variation 858308 (VCV000858308.10), dbSNP rs2058616798, ClinGen allele CA916083636.